The following is an entry in ClinVar:

NM_020937.4(FANCM):c.557T>A (p.Val186Glu)

Gene: FANCM (FA complementation group M; plus strand). Cytogenetic location: 14q21.2.
Variant type: single nucleotide variant.
Coding change: c.557T>A on transcript NM_020937.4 (MANE Select); coding-DNA position 557, T replaced by A.
Protein change: p.Val186Glu; replaces valine 186 with glutamic acid.
Molecular consequence: missense variant.
Genome position (GRCh38, 1-based): chr14:45,137,117, T>A. VCF-style: chr14-45137117-T-A. GRCh37 (hg19) VCF-style: chr14-45606320-T-A.
Other names: c.557T>A, p.Val186Glu (NM_001308133.2, NM_001308134.2); short protein forms V186E.
Identifiers: ClinVar variation 4619620 (VCV004619620.1).

ClinVar aggregate classification (germline): Uncertain significance (1 of 4 stars; one submission).

Conditions:
Inborn genetic diseases. Identifiers: MedGen C0950123, MeSH D030342.

Submission:

Ambry Genetics
Classification: Uncertain significance for Inborn genetic diseases. Last evaluated: 2025-11-29. Review status: criteria provided, single submitter. Criteria: Ambry Variant Classification Scheme 2023. Collection method: clinical testing. Allele origin: germline.
Comment: The p.V186E variant (also known as c.557T>A), located in coding exon 2 of the FANCM gene, results from a T to A substitution at nucleotide position 557. The valine at codon 186 is replaced by glutamic acid, an amino acid with dissimilar properties. This amino acid position is conserved. In addition, the in silico prediction for this alteration is inconclusive. Based on the available evidence, the clinical significance of this variant remains unclear.